The following is an entry in ClinVar:

ClinVar aggregate classification (germline): Uncertain significance (1 of 4 stars; one submission).

Allele frequency attached by ClinVar (database versions not stated): gnomAD exomes below 0.00001.
gnomAD v4.1: 2 of 1,614,182 alleles (0.00012%); highest among the groups gnomAD compares: South Asian, 0.0022%; no homozygotes.

Submission:

Labcorp Genetics (formerly Invitae), Labcorp
Classification: Uncertain significance. Last evaluated: 2023-12-21. Review status: criteria provided, single submitter. Criteria: Invitae Variant Classification Sherloc (09022015). Collection method: clinical testing. Allele origin: germline.
Comment: This sequence change replaces serine, which is neutral and polar, with glycine, which is neutral and non-polar, at codon 241 of the EGF protein (p.Ser241Gly). This variant is not present in population databases (gnomAD no frequency). This variant has not been reported in the literature in individuals affected with EGF-related conditions. ClinVar contains an entry for this variant (Variation ID: 2121563). An algorithm developed to predict the effect of missense changes on protein structure and function (PolyPhen-2) suggests that this variant is likely to be tolerated. In summary, the available evidence is currently insufficient to determine the role of this variant in disease. Therefore, it has been classified as a Variant of Uncertain Significance.

NM_001963.6(EGF):c.721A>G (p.Ser241Gly)

Gene: EGF (epidermal growth factor; plus strand). Cytogenetic location: 4q25.
Variant type: single nucleotide variant.
Coding change: c.721A>G on transcript NM_001963.6 (MANE Select); coding-DNA position 721, A replaced by G.
Protein change: p.Ser241Gly; replaces serine 241 with glycine.
Molecular consequence: missense variant.
Genome position (GRCh38, 1-based): chr4:109,944,053, A>G. VCF-style: chr4-109944053-A-G. GRCh37 (hg19) VCF-style: chr4-110865209-A-G.
Other names: c.721A>G, p.Ser241Gly (NM_001178130.3, NM_001178131.3, NM_001357021.2); short protein forms S241G.
Identifiers: ClinVar variation 2121563 (VCV002121563.4), dbSNP rs2545718409, ClinGen allele CA357876719.